The following is an entry in ClinVar:

NM_201384.3(PLEC):c.3170C>T (p.Ser1057Leu)

Gene: PLEC (plectin; minus strand). Cytogenetic location: 8q24.3.
Variant type: single nucleotide variant.
Coding change: c.3170C>T on transcript NM_201384.3 (MANE Select); coding-DNA position 3170, C replaced by T.
Protein change: p.Ser1057Leu; replaces serine 1057 with leucine.
Molecular consequence: missense variant.
Genome position (GRCh38, 1-based): chr8:143,929,193, G>A on the plus strand (C>T on the coding strand, the complement: PLEC is on the minus strand). VCF-style: chr8-143929193-G-A. GRCh37 (hg19) VCF-style: chr8-145003361-G-A.
Other names: c.3251C>T, p.Ser1084Leu (NM_000445.5); c.3128C>T, p.Ser1043Leu (NM_201378.4); c.3104C>T, p.Ser1035Leu (NM_201379.3); c.3581C>T, p.Ser1194Leu (NM_201380.4); c.3074C>T, p.Ser1025Leu (NM_201381.3); c.3170C>T, p.Ser1057Leu (NM_201382.4); c.3182C>T, p.Ser1061Leu (NM_201383.3); c.3251C>T (NM_000445.3); short protein forms S1025L, S1057L, S1084L, S1061L, S1194L, S1035L, S1043L.
Identifiers: ClinVar variation 971699 (VCV000971699.9), dbSNP rs782710264, ClinGen allele CA4927186.

ClinVar aggregate classification (germline): Uncertain significance. Review status: criteria provided, multiple submitters, no conflicts (2 of 4 stars). 2 submissions from 2 submitters: Uncertain significance (2). Last evaluated 2026-05-20.

Conditions:
Inborn genetic diseases. Identifiers: MedGen C0950123, MeSH D030342.
Epidermolysis bullosa simplex, Ogna type (EBS5A). Also called: Pidermolysis bullosa simplex 5A, Ogna type; EPIDERMOLYSIS BULLOSA SIMPLEX 5A, OGNA TYPE. Identifiers: Orphanet 79401, MedGen C0432317, MONDO:0007555, OMIM 131950.
Epidermolysis bullosa simplex with nail dystrophy (EBS5D). Identifiers: MedGen C4225309, MONDO:0014661, OMIM 616487.
Epidermolysis bullosa simplex 5B, with muscular dystrophy (EBS5B). Also called: EPIDERMOLYSIS BULLOSA SIMPLEX AND LIMB-GIRDLE MUSCULAR DYSTROPHY; Epidermolysis bullosa simplex with muscular dystrophy. Identifiers: Orphanet 257, MedGen C2931072, MONDO:0009181, OMIM 226670.
Epidermolysis bullosa simplex 5C, with pyloric atresia (EBS5C). Also called: PLEC-Related Epidermolysis Bullosa with Pyloric Atresia; Epidermolysis bullosa simplex with pyloric atresia; PLEC1-Related Epidermolysis Bullosa with Pyloric Atresia. Identifiers: Orphanet 158684, MedGen C2677349, MONDO:0012807, OMIM 612138.
Autosomal recessive limb-girdle muscular dystrophy type 2Q (LGMDR17). Also called: MUSCULAR DYSTROPHY, LIMB-GIRDLE, AUTOSOMAL RECESSIVE 17. Identifiers: Orphanet 254361, MedGen C3150989, MONDO:0013390, OMIM 613723.

Allele frequency attached by ClinVar (database versions not stated): gnomAD exomes 0.00003 and 0.00002; TOPMed below 0.00001; ExAC 0.00002.
gnomAD v4.1: 33 of 1,601,134 alleles (0.0021%); highest among the groups gnomAD compares: Middle Eastern, 0.05%; no homozygotes.

Submissions (2):

Ambry Genetics
Classification: Uncertain significance for Inborn genetic diseases. Last evaluated: 2026-05-20. Review status: criteria provided, single submitter. Criteria: Ambry Variant Classification Scheme 2023. Collection method: clinical testing. Allele origin: germline.

Labcorp Genetics (formerly Invitae), Labcorp
Classification: Uncertain significance for Autosomal recessive limb-girdle muscular dystrophy type 2Q; Epidermolysis bullosa simplex, Ogna type; Epidermolysis bullosa simplex with nail dystrophy; Epidermolysis bullosa simplex 5C, with pyloric atresia; Epidermolysis bullosa simplex 5B, with muscular dystrophy. Last evaluated: 2025-12-19. Review status: criteria provided, single submitter. Criteria: Invitae Variant Classification Sherloc (09022015). Collection method: clinical testing. Allele origin: germline.
Comment: This sequence change replaces serine, which is neutral and polar, with leucine, which is neutral and non-polar, at codon 1084 of the PLEC protein (p.Ser1084Leu). This variant is present in population databases (rs782710264, gnomAD 0.006%). This variant has not been reported in the literature in individuals affected with PLEC-related conditions. ClinVar contains an entry for this variant (Variation ID: 971699). Invitae Evidence Modeling of protein sequence and biophysical properties (such as structural, functional, and spatial information, amino acid conservation, physicochemical variation, residue mobility, and thermodynamic stability) indicates that this missense variant is not expected to disrupt PLEC protein function with a negative predictive value of 80%. In summary, the available evidence is currently insufficient to determine the role of this variant in disease. Therefore, it has been classified as a Variant of Uncertain Significance.